The following is an entry in ClinVar:

ClinVar aggregate classification (germline): Benign/Likely benign. Review status: criteria provided, multiple submitters, no conflicts (2 of 4 stars). 6 submissions from 6 submitters: Benign (1); Likely benign (3). 2 of the submissions do not count toward it. Last evaluated 2024-06-18.

Conditions:
ATM-related disorder. Also called: ATM-related disorders; ATM-related condition.
Hereditary cancer-predisposing syndrome. Also called: Hereditary Cancer Syndrome; Neoplastic Syndromes, Hereditary; Tumor predisposition; Hereditary neoplastic syndrome. Identifiers: Orphanet 140162, MedGen C0027672, MeSH D009386, MONDO:0015356.
Familial cancer of breast. Also called: BREAST CANCER, FAMILIAL; Hereditary breast cancer; hereditary breast carcinoma. Identifiers: Orphanet 227535, MedGen C0346153, MONDO:0016419, OMIM 114480. Disease mechanism: loss of function.
Ataxia-telangiectasia syndrome (AT). Also called: Cerebello-oculocutaneous telangiectasia; Immunodeficiency with ataxia telangiectasia; Ataxia-telangiectasia, complementation group E; Ataxia-telangiectasia, complementation group D; AT, COMPLEMENTATION GROUP C; ATAXIA-TELANGIECTASIA, COMPLEMENTATION GROUP A. Identifiers: Orphanet 100, MedGen C0004135, MONDO:0008840, OMIM 208900.

gnomAD v4.1: 9 of 1,613,556 alleles (0.00056%); highest among the groups gnomAD compares: Non-Finnish European, 0.00076%; no homozygotes.

Submissions (6):

Myriad Genetics, Inc.
Classification: Benign for Familial cancer of breast. Last evaluated: 2024-06-18. Review status: criteria provided, single submitter. Criteria: Myriad Autosomal Dominant, Autosomal Recessive and X-Linked Classification Criteria (2023). Collection method: clinical testing. Allele origin: unknown.
Comment: This variant is considered benign. This variant is a silent/synonymous amino acid change and it is not expected to impact splicing.

Labcorp Genetics (formerly Invitae), Labcorp
Classification: Likely benign for Ataxia-telangiectasia syndrome. Last evaluated: 2023-08-17. Review status: criteria provided, single submitter. Criteria: Invitae Variant Classification Sherloc (09022015). Collection method: clinical testing. Allele origin: germline.

Color Diagnostics, LLC DBA Color Health
Classification: Likely benign for Hereditary cancer-predisposing syndrome. Last evaluated: 2020-02-03. Review status: criteria provided, single submitter. Criteria: ACMG Guidelines, 2015. Collection method: clinical testing. Allele origin: germline.

Ambry Genetics
Classification: Likely benign for Hereditary cancer-predisposing syndrome. Last evaluated: 2019-12-22. Review status: criteria provided, single submitter. Criteria: Ambry Variant Classification Scheme 2023. Collection method: clinical testing. Allele origin: germline.

PreventionGenetics, part of Exact Sciences
Classification: Likely benign for ATM-related condition. Last evaluated: 2022-11-16. Review status: no assertion criteria provided. Collection method: clinical testing. Allele origin: germline. Not counted in ClinVar's aggregate classification.
Comment: This variant is classified as likely benign based on ACMG/AMP sequence variant interpretation guidelines (Richards et al. 2015 PMID: 25741868, with internal and published modifications).

True Health Diagnostics
Classification: Likely benign for Hereditary cancer-predisposing syndrome. Last evaluated: 2018-06-15. Review status: no assertion criteria provided. Collection method: clinical testing. Allele origin: germline. Not counted in ClinVar's aggregate classification.

NM_000051.4(ATM):c.8028A>G (p.Glu2676=)

Genes: ATM (ATM serine/threonine kinase; plus strand), C11orf65 (chromosome 11 open reading frame 65; minus strand). Cytogenetic location: 11q22.3.
Variant type: single nucleotide variant.
Coding change: c.8028A>G on transcript NM_000051.4 (MANE Select); coding-DNA position 8028, A replaced by G.
Protein change: p.Glu2676=; no amino-acid change (glutamic acid 2676 retained).
Molecular consequence: synonymous variant. On other transcripts: intron variant (2).
Genome position (GRCh38, 1-based): chr11:108,334,986, A>G. VCF-style: chr11-108334986-A-G. GRCh37 (hg19) VCF-style: chr11-108205713-A-G.
Other names: c.*38+234T>C (NM_001351110.2); c.8028A>G, p.Glu2676= (NM_001351834.2); c.641-25915T>C (NM_001330368.2).
Identifiers: ClinVar variation 560729 (VCV000560729.14), dbSNP rs1389648050, ClinGen allele CA476677618.